The following is an entry in ClinVar:

NM_003998.4(NFKB1):c.261C>A (p.Ile87=)

Gene: NFKB1 (nuclear factor kappa B subunit 1; plus strand). Cytogenetic location: 4q24.
Variant type: single nucleotide variant.
Coding change: c.261C>A on transcript NM_003998.4 (MANE Select); coding-DNA position 261, C replaced by A.
Protein change: p.Ile87=; no amino-acid change (isoleucine 87 retained).
Molecular consequence: synonymous variant.
Genome position (GRCh38, 1-based): chr4:102,566,989, C>A. VCF-style: chr4-102566989-C-A. GRCh37 (hg19) VCF-style: chr4-103488146-C-A.
Other names: c.258C>A, p.Ile86= (NM_001165412.2, NM_001319226.2).
Identifiers: ClinVar variation 754646 (VCV000754646.39), dbSNP rs571739367, ClinGen allele CA3025852.

ClinVar aggregate classification (germline): Likely benign. Review status: criteria provided, multiple submitters, no conflicts (2 of 4 stars). 3 submissions from 3 submitters: Likely benign (3). Last evaluated 2026-06-01.

Allele frequency attached by ClinVar (database versions not stated): gnomAD below 0.00001 and 0.00001; TOPMed 0.00001.
gnomAD v4.1: 96 of 1,613,796 alleles (0.0059%); highest among the groups gnomAD compares: South Asian, 0.048%; no homozygotes.

Submissions (3):

CeGaT Center for Human Genetics Tuebingen
Classification: Likely benign. Last evaluated: 2026-06-01. Review status: criteria provided, single submitter. Criteria: CeGaT Center For Human Genetics Tuebingen Variant Classification Criteria Version 2. Collection method: clinical testing. Allele origin: germline. Affected: yes. Observed: 4 variant alleles.
Comment: NFKB1: BP4, BP7

Labcorp Genetics (formerly Invitae), Labcorp
Classification: Likely benign. Last evaluated: 2025-12-02. Review status: criteria provided, single submitter. Criteria: Invitae Variant Classification Sherloc (09022015). Collection method: clinical testing. Allele origin: germline.

Blueprint Genetics
Classification: Likely benign. Last evaluated: 2024-11-13. Review status: criteria provided, single submitter. Criteria: ACMG Guidelines, 2015. Collection method: clinical testing. Allele origin: germline.